The following is an entry in ClinVar:

ClinVar aggregate classification (germline): Conflicting classifications of pathogenicity. Review status: criteria provided, conflicting classifications (1 of 4 stars). 3 submissions from 3 submitters: Uncertain significance (2); Likely benign (1). Last evaluated 2026-06-03.

Conditions:
Cardiovascular phenotype. Identifiers: MedGen CN230736.
Hereditary cancer-predisposing syndrome. Also called: Hereditary Cancer Syndrome; Neoplastic Syndromes, Hereditary; Tumor predisposition; Hereditary neoplastic syndrome. Identifiers: Orphanet 140162, MedGen C0027672, MeSH D009386, MONDO:0015356.
Neurofibromatosis, type 1 (NF1). Also called: Peripheral type neurofibromatosis; VON RECKLINGHAUSEN DISEASE; Neurofibromatosis, type I; NEUROFIBROMATOSIS, TYPE I, SOMATIC. Identifiers: Orphanet 636, MedGen C0027831, MONDO:0018975, OMIM 162200. Disease mechanism: loss of function.

Submissions (3):

Ambry Genetics
Classification: Likely benign for Cardiovascular phenotype; Hereditary cancer-predisposing syndrome. Last evaluated: 2026-06-03. Review status: criteria provided, single submitter. Criteria: Ambry Variant Classification Scheme 2023. Collection method: clinical testing. Allele origin: germline.

3billion
Classification: Uncertain significance for Neurofibromatosis, type 1. Last evaluated: 2024-08-28. Review status: criteria provided, single submitter. Criteria: ACMG Guidelines, 2015. Collection method: clinical testing. Allele origin: germline. Affected: yes.
Comment: The variant is not observed in the gnomAD v4.0.0 dataset. Predicted Consequence/Location: Missense variant In silico tool predictions suggest no damaging effect of the variant on gene or gene product [REVEL: 0.10 (<0.4)]. The variant has been reported as of uncertain significance (ClinVar ID: VCV000934924). Therefore, this variant is classified as VUS according to the recommendation of ACMG/AMP guideline.

Labcorp Genetics (formerly Invitae), Labcorp
Classification: Uncertain significance for Neurofibromatosis, type 1. Last evaluated: 2019-06-06. Review status: criteria provided, single submitter. Criteria: Invitae Variant Classification Sherloc (09022015). Collection method: clinical testing. Allele origin: germline.
Comment: This variant is not present in population databases (ExAC no frequency). This variant has not been reported in the literature in individuals with NF1-related conditions. This sequence change replaces asparagine with serine at codon 2404 of the NF1 protein (p.Asn2404Ser). The asparagine residue is moderately conserved and there is a small physicochemical difference between asparagine and serine. Algorithms developed to predict the effect of missense changes on protein structure and function (SIFT, PolyPhen-2, Align-GVGD) all suggest that this variant is likely to be tolerated, but these predictions have not been confirmed by published functional studies and their clinical significance is uncertain. In summary, the available evidence is currently insufficient to determine the role of this variant in disease. Therefore, it has been classified as a Variant of Uncertain Significance.

NM_001042492.3(NF1):c.7274A>G (p.Asn2425Ser)

Gene: NF1 (neurofibromin 1; plus strand). Cytogenetic location: 17q11.2.
Variant type: single nucleotide variant.
Coding change: c.7274A>G on transcript NM_001042492.3 (MANE Select); coding-DNA position 7274, A replaced by G.
Protein change: p.Asn2425Ser; replaces asparagine 2425 with serine.
Molecular consequence: missense variant.
Genome position (GRCh38, 1-based): chr17:31,349,204, A>G. VCF-style: chr17-31349204-A-G. GRCh37 (hg19) VCF-style: chr17-29676222-A-G.
Other names: c.7211A>G, p.Asn2404Ser (NM_000267.4); short protein forms N2404S, N2425S.
Identifiers: ClinVar variation 934924 (VCV000934924.11), dbSNP rs2070076752, ClinGen allele CA399016824.